The following is an entry in ClinVar:

NM_004360.5(CDH1):c.136C>T (p.Leu46=)

Gene: CDH1 (cadherin 1; plus strand). Cytogenetic location: 16q22.1.
Variant type: single nucleotide variant.
Coding change: c.136C>T on transcript NM_004360.5 (MANE Select); coding-DNA position 136, C replaced by T.
Protein change: p.Leu46=; no amino-acid change (leucine 46 retained).
Molecular consequence: synonymous variant. On other transcripts: 5 prime UTR variant (2).
Genome position (GRCh38, 1-based): chr16:68,738,384, C>T. VCF-style: chr16-68738384-C-T. GRCh37 (hg19) VCF-style: chr16-68772287-C-T.
Other names: c.136C>T, p.Leu46= (NM_001317184.2); c.-1480C>T (NM_001317185.2); c.-1684C>T (NM_001317186.2); c.136C>T (NM_004360.3).
Identifiers: ClinVar variation 491495 (VCV000491495.15), dbSNP rs1410833063, ClinGen allele CA496149632.
Genomic context (GRCh38, chr16:68,738,384, plus strand): 5'-GAGCCCTGCCACCCTGGCTTTGACGCCGAGAGCTACACGTTCACGGTGCCCCGGCGCCAC[C>T]TGGAGAGAGGCCGCGTCCTGGGCAGAGGTGAGGGCGCGCTGCCGGTGTCCCTGGGCGGAG-3'
Protein context (NP_004351.1, residues 36-56): SYTFTVPRRH[Leu46=]ERGRVLGRVN

ClinVar aggregate classification (germline): Benign/Likely benign. Review status: criteria provided, multiple submitters, no conflicts (2 of 4 stars). 4 submissions from 4 submitters: Benign (1); Likely benign (3). Last evaluated 2025-02-16.

Conditions:
Hereditary cancer-predisposing syndrome. Also called: Tumor predisposition; Neoplastic Syndromes, Hereditary; Hereditary Cancer Syndrome; Hereditary neoplastic syndrome. Identifiers: Orphanet 140162, MedGen C0027672, MeSH D009386, MONDO:0015356.
Hereditary diffuse gastric adenocarcinoma (HDGC). Also called: DIFFUSE GASTRIC AND LOBULAR BREAST CANCER SYNDROME. Identifiers: Orphanet 26106, MedGen C1708349, MONDO:0007648, OMIM 137215.

Allele frequency attached by ClinVar (database versions not stated): gnomAD exomes below 0.00001 and 0.00001; TOPMed below 0.00001; gnomAD 0.00001.
gnomAD v4.1: 4 of 1,550,554 alleles (0.00026%); highest among the groups gnomAD compares: South Asian, 0.0024%; no homozygotes.

Submissions (4):

Labcorp Genetics (formerly Invitae), Labcorp
Classification: Likely benign for Hereditary diffuse gastric adenocarcinoma. Last evaluated: 2025-02-16. Review status: criteria provided, single submitter. Criteria: Invitae Variant Classification Sherloc (09022015). Collection method: clinical testing. Allele origin: germline.

Myriad Genetics, Inc.
Classification: Benign for Hereditary diffuse gastric adenocarcinoma. Last evaluated: 2024-09-11. Review status: criteria provided, single submitter. Criteria: Myriad Autosomal Dominant, Autosomal Recessive and X-Linked Classification Criteria (2023). Collection method: clinical testing. Allele origin: unknown.
Comment: This variant is considered benign. This variant is a silent/synonymous amino acid change and it is not expected to impact splicing.

Ambry Genetics
Classification: Likely benign for Hereditary cancer-predisposing syndrome. Last evaluated: 2024-07-28. Review status: criteria provided, single submitter. Criteria: Ambry Variant Classification Scheme 2023. Collection method: clinical testing. Allele origin: germline.

Color Diagnostics, LLC DBA Color Health
Classification: Likely benign for Hereditary cancer-predisposing syndrome. Last evaluated: 2017-06-24. Review status: criteria provided, single submitter. Criteria: ACMG Guidelines, 2015. Collection method: clinical testing. Allele origin: germline.